The following is an entry in ClinVar:

NM_001089.3(ABCA3):c.681C>T (p.Ala227=)

Gene: ABCA3 (ATP binding cassette subfamily A member 3; minus strand). Cytogenetic location: 16p13.3.
Variant type: single nucleotide variant.
Coding change: c.681C>T on transcript NM_001089.3 (MANE Select); coding-DNA position 681, C replaced by T.
Protein change: p.Ala227=; no amino-acid change (alanine 227 retained).
Molecular consequence: synonymous variant.
Genome position (GRCh38, 1-based): chr16:2,319,773, G>A on the plus strand (C>T on the coding strand, the complement: ABCA3 is on the minus strand). VCF-style: chr16-2319773-G-A. GRCh37 (hg19) VCF-style: chr16-2369774-G-A.
Identifiers: ClinVar variation 162673 (VCV000162673.22), dbSNP rs45480502, ClinGen allele CA175144.

ClinVar aggregate classification (germline): Benign. Review status: criteria provided, multiple submitters, no conflicts (2 of 4 stars). 7 submissions from 7 submitters: Benign (7). Last evaluated 2026-02-04.

Conditions:
Hereditary pulmonary alveolar proteinosis. Also called: Pulmonary surfactant metabolism dysfunction. Identifiers: Orphanet 264675, MedGen C3711368, MONDO:0012580.
Interstitial lung disease due to ABCA3 deficiency. Also called: PULMONARY ALVEOLAR PROTEINOSIS, CONGENITAL, 3. Identifiers: Orphanet 440402, MedGen C1970456, MONDO:0012582, OMIM 610921.

Allele frequency attached by ClinVar (database versions not stated): 1000 Genomes Project 30x 0.01234; 1000 Genomes Project 0.01318; TOPMed 0.01437; ESP Exome Variant Server 0.01562; gnomAD 0.01632 and 0.01639; ExAC 0.01839; gnomAD exomes 0.01848.
gnomAD v4.1: 33,799 of 1,613,952 alleles (2.1%); highest among the groups gnomAD compares: Middle Eastern, 2.7%; 412 homozygotes.

Submissions (7):

Labcorp Genetics (formerly Invitae), Labcorp
Classification: Benign. Last evaluated: 2026-02-04. Review status: criteria provided, single submitter. Criteria: Invitae Variant Classification Sherloc (09022015). Collection method: clinical testing. Allele origin: germline.

Blueprint Genetics
Classification: Benign. Last evaluated: 2024-11-27. Review status: criteria provided, single submitter. Criteria: ACMG Guidelines, 2015. Collection method: clinical testing. Allele origin: germline.

Ambry Genetics
Classification: Benign for Hereditary pulmonary alveolar proteinosis. Last evaluated: 2019-06-13. Review status: criteria provided, single submitter. Criteria: Ambry Variant Classification Scheme 2023. Collection method: clinical testing. Allele origin: germline.

GeneDx
Classification: Benign. Last evaluated: 2019-03-14. Review status: criteria provided, single submitter. Criteria: GeneDx Variant Classification Process June 2021. Collection method: clinical testing. Allele origin: germline. Affected: yes.

Illumina Laboratory Services, Illumina
Classification: Benign for Interstitial lung disease due to ABCA3 deficiency. Last evaluated: 2018-01-13. Review status: criteria provided, single submitter. Criteria: ICSL Variant Classification Criteria 13 December 2019. Collection method: clinical testing. Allele origin: germline.
Comment: This variant was observed in the ICSL laboratory as part of a predisposition screen in an ostensibly healthy population. It had not been previously curated by ICSL or reported in the Human Gene Mutation Database (HGMD: prior to June 1st, 2018), and was therefore a candidate for classification through an automated scoring system. Utilizing variant allele frequency, disease prevalence and penetrance estimates, and inheritance mode, an automated score was calculated to assess if this variant is too frequent to cause the disease. Based on the score and internal cut-off values, a variant classified as benign is not then subjected to further curation. The score for this variant resulted in a classification of benign for this disease.

Laboratory for Molecular Medicine, Mass General Brigham Personalized Medicine
Classification: Benign. Last evaluated: 2013-02-21. Review status: criteria provided, single submitter. Criteria: LMM Criteria. Collection method: clinical testing. Allele origin: germline. Observed: 9 variant alleles.
Comment: Ala227Ala in exon 8 of ABCA3: This variant is not expected to have clinical sign ificance because it does not alter an amino acid residue and is not located with in the splice consensus sequence. It has been identified in 2.2% (192/8600) of E uropean American chromosomes from a broad population by the NHLBI Exome Sequenci ng Project (dbSNP rs45480502).

Breakthrough Genomics
Classification: Benign. Review status: criteria provided, single submitter. Criteria: ACMG Guidelines, 2015. Collection method: not provided. Allele origin: germline. Inheritance: Autosomal recessive inheritance. Affected: yes.